The following is an entry in ClinVar:

NM_001572.5(IRF7):c.183+6G>A

Gene: IRF7 (interferon regulatory factor 7; minus strand). Cytogenetic location: 11p15.5.
Variant type: single nucleotide variant.
Coding change: c.183+6G>A on transcript NM_001572.5 (MANE Select); 6 bases into the intron after coding-DNA position 183, G replaced by A.
Molecular consequence: intron variant.
Genome position (GRCh38, 1-based): chr11:615,091, C>T on the plus strand (G>A on the coding strand, the complement: IRF7 is on the minus strand). VCF-style: chr11-615091-C-T. GRCh37 (hg19) VCF-style: chr11-615091-C-T.
Other names: c.183+6G>A (NM_004029.4); c.222+6G>A (NM_004031.4).
Identifiers: ClinVar variation 1969215 (VCV001969215.5), dbSNP rs1163485462, ClinGen allele CA597020280.

ClinVar aggregate classification (germline): Uncertain significance (1 of 4 stars; one submission).

Conditions:
Immunodeficiency 39 (IMD39). Identifiers: Orphanet 574918, MedGen C4225358, MONDO:0014597, OMIM 616345.

Submission:

Labcorp Genetics (formerly Invitae), Labcorp
Classification: Uncertain significance for Immunodeficiency 39. Last evaluated: 2022-07-26. Review status: criteria provided, single submitter. Criteria: Invitae Variant Classification Sherloc (09022015). Collection method: clinical testing. Allele origin: germline.
Comment: In summary, the available evidence is currently insufficient to determine the role of this variant in disease. Therefore, it has been classified as a Variant of Uncertain Significance. Variants that disrupt the consensus splice site are a relatively common cause of aberrant splicing (PMID: 17576681, 9536098). Algorithms developed to predict the effect of sequence changes on RNA splicing suggest that this variant is not likely to affect RNA splicing. This variant has not been reported in the literature in individuals affected with IRF7-related conditions. This variant is not present in population databases (gnomAD no frequency). This sequence change falls in intron 1 of the IRF7 gene. It does not directly change the encoded amino acid sequence of the IRF7 protein. It affects a nucleotide within the consensus splice site.

Literature cited by the submitters: PubMed 17576681; PubMed 9536098.